The following is an entry in ClinVar:

NM_001184.4(ATR):c.7392G>A (p.Met2464Ile)

Gene: ATR (ATR serine/threonine kinase; minus strand). Cytogenetic location: 3q23.
Variant type: single nucleotide variant.
Coding change: c.7392G>A on transcript NM_001184.4 (MANE Select); coding-DNA position 7392, G replaced by A.
Protein change: p.Met2464Ile; replaces methionine 2464 with isoleucine.
Molecular consequence: missense variant.
Genome position (GRCh38, 1-based): chr3:142,459,069, C>T on the plus strand (G>A on the coding strand, the complement: ATR is on the minus strand). VCF-style: chr3-142459069-C-T. GRCh37 (hg19) VCF-style: chr3-142177911-C-T.
Other names: c.7200G>A, p.Met2400Ile (NM_001354579.2); short protein forms M2464I, M2400I.
Identifiers: ClinVar variation 3462049 (VCV003462049.1).

ClinVar aggregate classification (germline): Uncertain significance (1 of 4 stars; one submission).

Conditions:
Inborn genetic diseases. Identifiers: MedGen C0950123, MeSH D030342.

Submission:

Ambry Genetics
Classification: Uncertain significance for Inborn genetic diseases. Last evaluated: 2024-09-02. Review status: criteria provided, single submitter. Criteria: Ambry Variant Classification Scheme 2023. Collection method: clinical testing. Allele origin: germline.
Comment: The p.M2464I variant (also known as c.7392G>A), located in coding exon 44 of the ATR gene, results from a G to A substitution at nucleotide position 7392. The methionine at codon 2464 is replaced by isoleucine, an amino acid with highly similar properties. This amino acid position is conserved. In addition, this alteration is predicted to be deleterious by in silico analysis. Based on the available evidence, the clinical significance of this variant remains unclear.